The following is an entry in ClinVar:

ClinVar aggregate classification (germline): Likely pathogenic (1 of 4 stars; one submission).

Submission:

Laboratorio de Genetica e Diagnostico Molecular, Hospital Israelita Albert Einstein
Classification: Likely pathogenic. Last evaluated: 2020-01-29. Review status: criteria provided, single submitter. Criteria: ACMG Guidelines, 2015. Collection method: clinical testing. Allele origin: germline. Affected: yes.
Comment: ACMG classification criteria: PM1, PM2, PM5, PP3

NM_172362.3(KCNH1):c.1481T>C (p.Ile494Thr)

Gene: KCNH1 (potassium voltage-gated channel subfamily H member 1; minus strand). Cytogenetic location: 1q32.2.
Variant type: single nucleotide variant.
Coding change: c.1481T>C on transcript NM_172362.3 (MANE Select); coding-DNA position 1481, T replaced by C.
Protein change: p.Ile494Thr; replaces isoleucine 494 with threonine.
Molecular consequence: missense variant.
Genome position (GRCh38, 1-based): chr1:210,804,148, A>G on the plus strand (T>C on the coding strand, the complement: KCNH1 is on the minus strand). VCF-style: chr1-210804148-A-G. GRCh37 (hg19) VCF-style: chr1-210977490-A-G.
Other names: c.1400T>C, p.Ile467Thr (NM_002238.4); short protein forms I467T, I494T.
Identifiers: ClinVar variation 1690786 (VCV001690786.2), dbSNP rs2102406873, ClinGen allele CA344874571.